The following is an entry in ClinVar:

ClinVar aggregate classification (germline): Uncertain significance (1 of 4 stars; one submission).

Submission:

Dasa
Classification: Uncertain significance. Last evaluated: 2026-02-18. Review status: criteria provided, single submitter. Criteria: DASA Assertion Criteria. Collection method: clinical testing. Allele origin: germline.
Comment: NM_014874.4(MFN2):c.312-250G>A is an intronic variant. This variant is rare in population databases. The currently available literature and clinical evidence are not sufficient to establish a definitive association between this variant and the reported condition. Therefore, this variant is classified as a variant of uncertain significance.

NM_014874.4(MFN2):c.312-250G>A

Gene: MFN2 (mitofusin 2; plus strand). Cytogenetic location: 1p36.22.
Variant type: single nucleotide variant.
Coding change: c.312-250G>A on transcript NM_014874.4 (MANE Select); 250 bases into the intron before coding-DNA position 312, G replaced by A.
Molecular consequence: intron variant.
Genome position (GRCh38, 1-based): chr1:11,995,906, G>A. VCF-style: chr1-11995906-G-A. GRCh37 (hg19) VCF-style: chr1-12055963-G-A.
Other names: c.312-250G>A (NM_001127660.2).
Identifiers: ClinVar variation 4881570 (VCV004881570.2).